The following is an entry in ClinVar:

NM_000642.3(AGL):c.2082_2083del (p.Phe694fs)

Gene: AGL (amylo-alpha-1,6-glucosidase and 4-alpha-glucanotransferase; plus strand). Cytogenetic location: 1p21.2.
Variant type: Deletion.
Coding change: c.2082_2083del on transcript NM_000642.3 (MANE Select); coding-DNA positions 2082 to 2083, 2 bases deleted (CC; older notation c.2082_2083delCC).
Protein change: p.Phe694fs; shifts the reading frame from phenylalanine 694.
Molecular consequence: frameshift variant.
Genome position (GRCh38, 1-based): chr1:99,881,372-99,881,373, CC deleted. VCF-style (leftmost placement, unchanged base first): chr1-99881371-TCC-T. GRCh37 (hg19) VCF-style: chr1-100346927-TCC-T.
Other names: c.2082_2083del, p.Phe694fs (NM_000643.3, NM_000644.3, NM_001425325.1 and 2 more transcripts); c.2034_2035del, p.Phe678fs (NM_000646.3); c.1881_1882del, p.Phe627fs (NM_001425327.1); c.1878_1879del, p.Phe626fs (NM_001425328.1, NM_001425329.1); c.1704_1705del, p.Phe568fs (NM_001425332.1); short protein forms F568fs, F626fs, F627fs, F678fs, F694fs.
Identifiers: ClinVar variation 4814436 (VCV004814436.1).
Genomic context (GRCh38, chr1:99,881,371, plus strand): 5'-AACGGTTTTACACTAAGTGGAATCCTGAAGCATTGCCTTCAAACACAGGTGAAGTTAATT[TCC>T]AAAGCGGCATTATTGCAGCCAGGTGTGCTATCAGTAAACTTCATCAGGAGCTTGGAGCCA-3'

ClinVar aggregate classification (germline): Likely pathogenic (1 of 4 stars; one submission).

Conditions:
Glycogen storage disease type III (GSD3). Also called: FORBES DISEASE; Cori disease. Identifiers: Orphanet 366, MedGen C0017922, MONDO:0009291, OMIM 232400.

Submission:

Natera, Inc.
Classification: Likely pathogenic for Glycogen storage disease type III. Last evaluated: 2024-12-04. Review status: criteria provided, single submitter. Criteria: Natera Variant Classification Schema (03/2026). Collection method: clinical testing. Allele origin: germline.
Comment: The c.2082_2083del variant in AGL is a frameshift variant predicted to shift the reading frame beginning at codon 694 and leads to a stop codon 13 codons downstream. This variant is expected to result in nonsense mediated decay, truncation, or a dysfunctional protein product. This variant is rare in the general population with a frequency below the threshold expected for the associated phenotype(s). Given the available evidence, this variant is classified as Likely Pathogenic.